The following is an entry in ClinVar:

ClinVar aggregate classification (germline): Pathogenic (1 of 4 stars; one submission).

Conditions:
Carpenter syndrome. Identifiers: Orphanet 65759, MedGen C1275078, MONDO:0019012.

Submission:

Labcorp Genetics (formerly Invitae), Labcorp
Classification: Pathogenic for Carpenter syndrome. Last evaluated: 2023-01-12. Review status: criteria provided, single submitter. Criteria: Invitae Variant Classification Sherloc (09022015). Collection method: clinical testing. Allele origin: germline.
Comment: This sequence change creates a premature translational stop signal (p.Lys144Valfs*16) in the RAB23 gene. It is expected to result in an absent or disrupted protein product. Loss-of-function variants in RAB23 are known to be pathogenic (PMID: 17503333, 21412941). For these reasons, this variant has been classified as Pathogenic. Algorithms developed to predict the effect of sequence changes on RNA splicing suggest that this variant may disrupt the consensus splice site. This variant has not been reported in the literature in individuals affected with RAB23-related conditions. This variant is not present in population databases (gnomAD no frequency).

Literature cited by the submitters: PubMed 17503333; PubMed 21412941.

NM_016277.5(RAB23):c.430_431del (p.Lys144fs)

Gene: RAB23 (RAB23, member RAS oncogene family; minus strand). Cytogenetic location: 6p12.1.
Variant type: Deletion.
Coding change: c.430_431del on transcript NM_016277.5 (MANE Select); coding-DNA positions 430 to 431, 2 bases deleted (AA; older notation c.430_431delAA).
Protein change: p.Lys144fs; shifts the reading frame from lysine 144.
Molecular consequence: frameshift variant.
Genome position (GRCh38, 1-based): chr6:57,194,820-57,194,821, TT deleted on the plus strand (AA on the coding strand, the reverse complement: RAB23 is on the minus strand); deleting any 2 consecutive bases within chr6:57,194,820-57,194,822 gives the same sequence; the c. name uses the placement nearest the transcript's 3' end. VCF-style (leftmost placement, unchanged base first): chr6-57194819-CTT-C. GRCh37 (hg19) VCF-style: chr6-57059617-CTT-C.
Other names: c.430_431del, p.Lys144fs (NM_001278666.2, NM_001278667.2, NM_001278668.2 and 1 more transcripts); short protein forms K144fs.
Identifiers: ClinVar variation 2827988 (VCV002827988.3), dbSNP rs2533178474, ClinGen allele CA2679245127.